The following is an entry in ClinVar:

NM_004387.4(NKX2-5):c.682A>G (p.Lys228Glu)

Gene: NKX2-5 (NK2 homeobox 5; minus strand). Cytogenetic location: 5q35.1.
Variant type: single nucleotide variant.
Coding change: c.682A>G on transcript NM_004387.4 (MANE Select); coding-DNA position 682, A replaced by G.
Protein change: p.Lys228Glu; replaces lysine 228 with glutamic acid.
Molecular consequence: missense variant. On other transcripts: 3 prime UTR variant (2).
Genome position (GRCh38, 1-based): chr5:173,232,862, T>C on the plus strand (A>G on the coding strand, the complement: NKX2-5 is on the minus strand). VCF-style: chr5-173232862-T-C. GRCh37 (hg19) VCF-style: chr5-172659865-T-C.
Other names: c.*635A>G (NM_001166175.2); c.*481A>G (NM_001166176.2); short protein forms K228E.
Identifiers: ClinVar variation 3405901 (VCV003405901.2).

ClinVar aggregate classification (germline): Uncertain significance. Review status: criteria provided, multiple submitters, no conflicts (2 of 4 stars). 2 submissions from 2 submitters: Uncertain significance (2). Last evaluated 2024-08-19.

Conditions:
Cardiovascular phenotype. Identifiers: MedGen CN230736.

Submissions (2):

Ambry Genetics
Classification: Uncertain significance for Cardiovascular phenotype. Last evaluated: 2024-08-19. Review status: criteria provided, single submitter. Criteria: Ambry Variant Classification Scheme 2023. Collection method: clinical testing. Allele origin: germline.
Comment: The p.K228E variant (also known as c.682A>G), located in coding exon 2 of the NKX2-5 gene, results from an A to G substitution at nucleotide position 682. The lysine at codon 228 is replaced by glutamic acid, an amino acid with similar properties. This amino acid position is conserved. In addition, this alteration is predicted to be deleterious by in silico analysis. Based on the available evidence, the clinical significance of this variant remains unclear.

Blueprint Genetics
Classification: Uncertain significance. Last evaluated: 2022-09-13. Review status: criteria provided, single submitter. Criteria: ACMG Guidelines, 2015. Collection method: clinical testing. Allele origin: germline.